The following is an entry in ClinVar:

NM_052963.3(TOP1MT):c.32C>T (p.Ala11Val)

Gene: TOP1MT (DNA topoisomerase I mitochondrial; minus strand). Cytogenetic location: 8q24.3.
Variant type: single nucleotide variant.
Coding change: c.32C>T on transcript NM_052963.3 (MANE Select); coding-DNA position 32, C replaced by T.
Protein change: p.Ala11Val; replaces alanine 11 with valine.
Molecular consequence: missense variant. On other transcripts: intron variant (2).
Genome position (GRCh38, 1-based): chr8:143,334,830, G>A on the plus strand (C>T on the coding strand, the complement: TOP1MT is on the minus strand). VCF-style: chr8-143334830-G-A. GRCh37 (hg19) VCF-style: chr8-144417000-G-A.
Other names: c.-172-3491C>T (NM_001258447.1, NM_001258446.1); short protein forms A11V.
Identifiers: ClinVar variation 2860586 (VCV002860586.3), dbSNP rs780757876, ClinGen allele CA4909064.
Genomic context (GRCh38, chr8:143,334,830, plus strand): 5'-GAGCCCGGGACACCCCGGGAGGCCGGGCGGCGGGGGACCTCCCCGAGCAGCGTCAGAGCC[G>A]CCCGGAGCCGCAGCAGCCGCACCACGCGCATCTGCCAGCCTCCGGGAAAGAGCGACAAGC-3'
Protein context (NP_443195.1, residues 1-21): MRVVRLLRLR[Ala11Val]ALTLLGEVPR

ClinVar aggregate classification (germline): Uncertain significance (1 of 4 stars; one submission).

gnomAD v4.1: 6 of 1,520,324 alleles (0.00039%); highest among the groups gnomAD compares: Non-Finnish European, 0.00035%; no homozygotes.

Submission:

Labcorp Genetics (formerly Invitae), Labcorp
Classification: Uncertain significance. Last evaluated: 2023-01-13. Review status: criteria provided, single submitter. Criteria: Invitae Variant Classification Sherloc (09022015). Collection method: clinical testing. Allele origin: germline.
Comment: In summary, the available evidence is currently insufficient to determine the role of this variant in disease. Therefore, it has been classified as a Variant of Uncertain Significance. Advanced modeling of protein sequence and biophysical properties (such as structural, functional, and spatial information, amino acid conservation, physicochemical variation, residue mobility, and thermodynamic stability) performed at Invitae indicates that this missense variant is not expected to disrupt TOP1MT protein function. This variant has not been reported in the literature in individuals affected with TOP1MT-related conditions. The frequency data for this variant in the population databases is considered unreliable, as metrics indicate poor data quality at this position in the gnomAD database. This sequence change replaces alanine, which is neutral and non-polar, with valine, which is neutral and non-polar, at codon 11 of the TOP1MT protein (p.Ala11Val).